The following is an entry in ClinVar:

NM_000245.4(MET):c.2874A>G (p.Arg958=)

Gene: MET (MET proto-oncogene, receptor tyrosine kinase; plus strand). Cytogenetic location: 7q31.2.
Variant type: single nucleotide variant.
Coding change: c.2874A>G on transcript NM_000245.4 (MANE Select); coding-DNA position 2874, A replaced by G.
Protein change: p.Arg958=; no amino-acid change (arginine 958 retained).
Molecular consequence: synonymous variant.
Genome position (GRCh38, 1-based): chr7:116,771,641, A>G. VCF-style: chr7-116771641-A-G. GRCh37 (hg19) VCF-style: chr7-116411695-A-G.
Other names: c.2928A>G, p.Arg976= (NM_001127500.3); c.1584A>G, p.Arg528= (NM_001324402.2); c.2928A>G (NM_001127500.1).
Identifiers: ClinVar variation 1152618 (VCV001152618.12), dbSNP rs1452848504, ClinGen allele CA457447521.

ClinVar aggregate classification (germline): Benign/Likely benign. Review status: criteria provided, multiple submitters, no conflicts (2 of 4 stars). 4 submissions from 4 submitters: Benign (1); Likely benign (3). Last evaluated 2025-12-29.

Conditions:
Renal cell carcinoma. Identifiers: Orphanet 217071, MedGen C0007134, MeSH D002292, MONDO:0005086, HP:0005584.
Hereditary cancer-predisposing syndrome. Also called: Tumor predisposition; Neoplastic Syndromes, Hereditary; Hereditary neoplastic syndrome; Hereditary Cancer Syndrome. Identifiers: Orphanet 140162, MedGen C0027672, MeSH D009386, MONDO:0015356.
Papillary renal cell carcinoma type 1 (RCCP1). Also called: RENAL CELL CARCINOMA, PAPILLARY, 1, SOMATIC; Renal adenocarcinoma; Renal cell carcinoma 1; Renal cell carcinoma, somatic. Identifiers: Orphanet 47044, MedGen C1336839, OMIM 605074, HP:0011797.

Allele frequency attached by ClinVar (database versions not stated): gnomAD exomes below 0.00001.
gnomAD v4.1: 1 of 1,613,830 alleles (0.000062%); highest among the groups gnomAD compares: Non-Finnish European, 0.000085%; no homozygotes.

Submissions (4):

Center for Genomic Medicine, Rigshospitalet, Copenhagen University Hospital
Classification: Likely benign. Last evaluated: 2025-12-29. Review status: criteria provided, single submitter. Criteria: ACMG Guidelines, 2015. Collection method: clinical testing. Allele origin: germline.

Labcorp Genetics (formerly Invitae), Labcorp
Classification: Likely benign for Renal cell carcinoma. Last evaluated: 2025-08-13. Review status: criteria provided, single submitter. Criteria: Invitae Variant Classification Sherloc (09022015). Collection method: clinical testing. Allele origin: germline.

Myriad Genetics, Inc.
Classification: Benign for Papillary renal cell carcinoma type 1. Last evaluated: 2024-11-12. Review status: criteria provided, single submitter. Criteria: Myriad Autosomal Dominant, Autosomal Recessive and X-Linked Classification Criteria (2023). Collection method: clinical testing. Allele origin: unknown.
Comment: This variant is considered benign. This variant is a silent/synonymous amino acid change and it is not expected to impact splicing.

Ambry Genetics
Classification: Likely benign for Hereditary cancer-predisposing syndrome. Last evaluated: 2023-06-30. Review status: criteria provided, single submitter. Criteria: Ambry Variant Classification Scheme 2023. Collection method: clinical testing. Allele origin: germline.